The following is an entry in ClinVar:

ClinVar aggregate classification (germline): Uncertain significance (1 of 4 stars; one submission).

gnomAD v4.1: 1 of 780,562 alleles (0.00013%); highest among the groups gnomAD compares: African/African-American, 0.0017%; no homozygotes.

Submission:

Women's Health and Genetics/Laboratory Corporation of America, LabCorp
Classification: Uncertain significance. Last evaluated: 2026-01-19. Review status: criteria provided, single submitter. Criteria: LabCorp Variant Classification Summary - May 2015. Collection method: clinical testing. Allele origin: germline.
Comment: Variant summary: C1R c.426C>A (p.Asp142Glu) results in a conservative amino acid change in the encoded protein sequence. Algorithms developed to predict the effect of missense changes on protein structure and function are either unavailable or do not agree on the potential impact of this missense change. Consensus agreement among computation tools predict no significant impact on normal splicing. However, these predictions have yet to be confirmed by functional studies. The variant was absent in 248628 control chromosomes. The available data on variant occurrences in the general population are insufficient to allow any conclusion about variant significance. To our knowledge, no occurrence of c.426C>A in individuals affected with C1R-related conditions and no experimental evidence demonstrating its impact on protein function have been reported. No submitters have cited clinical-significance assessments for this variant to ClinVar. Based on the evidence outlined above, the variant was classified as uncertain significance.

NM_001733.7(C1R):c.426C>A (p.Asp142Glu)

Gene: C1R (complement C1r; minus strand). Cytogenetic location: 12p13.31.
Variant type: single nucleotide variant.
Coding change: c.426C>A on transcript NM_001733.7 (MANE Select); coding-DNA position 426, C replaced by A.
Protein change: p.Asp142Glu; replaces aspartic acid 142 with glutamic acid.
Molecular consequence: missense variant.
Genome position (GRCh38, 1-based): chr12:7,089,732, G>T on the plus strand (C>A on the coding strand, the complement: C1R is on the minus strand). VCF-style: chr12-7089732-G-T. GRCh37 (hg19) VCF-style: chr12-7242328-G-T.
Other names: c.468C>A, p.Asp156Glu (NM_001354346.2); short protein forms D142E, D156E.
Identifiers: ClinVar variation 4689255 (VCV004689255.1).